The following is an entry in ClinVar:

ClinVar aggregate classification (germline): Conflicting classifications of pathogenicity. Review status: criteria provided, conflicting classifications (1 of 4 stars). 4 submissions from 4 submitters: Likely pathogenic (2); Uncertain significance (1). 1 of the submissions does not count toward it. Last evaluated 2026-03-28.

Conditions:
PIK3CA constitutional syndrome.
Inborn genetic diseases. Identifiers: MedGen C0950123, MeSH D030342.
PIK3CA-related disorder. Also called: PIK3CA- related disease; PIK3CA-related condition; PIK3CA-related disorders.

Submissions (4):

Laboratoire de Cytogenomique, Chu Angers
Classification: Likely pathogenic for PIK3CA constitutional syndrome. Last evaluated: 2026-03-28. Review status: criteria provided, single submitter. Criteria: ACMG Guidelines, 2015. Collection method: clinical testing. Allele origin: paternal. Affected: yes. Observed: 1 variant allele.
Comment: The PIK3CA NM_006218.4:c.2521A>G (p.Ile841Val) variant is a missense variant affecting the kinase domain of the p110α protein, a critical region involved in catalytic activity (PM1, PP2). This variant is absent from population databases (gnomAD v4) (PM2). Functional studies performed on patient-derived fibroblasts demonstrated increased AKT phosphorylation and enhanced cellular proliferation compared to controls, supporting a gain-of-function effect consistent with pathogenic PIK3CA variants (PS3). This variant has been reported in an oncological context (PMID: 34136741), supporting the relevance of this residue in PIK3CA function (PP5_supporting). In silico prediction tools suggest no deleterious effect on the protein (BP4). In summary, this variant is classified as likely pathogenic according to ACMG/AMP criteria: PS3, PM1, PM2, PP2, PP5_supporting, BP4.

3billion
Classification: Likely pathogenic for PIK3CA-related disorder. Last evaluated: 2025-10-20. Review status: criteria provided, single submitter. Criteria: ACMG Guidelines, 2015. Collection method: clinical testing. Allele origin: germline. Affected: yes.
Comment: The variant is not observed in the gnomAD v4.1.0 dataset. Predicted Consequence/Location: The variant is located in a mutational hot spot and/or well-established functional domain in which established pathogenic variants have been reported (PMID: 26637981, 24459181, 27631024). Missense variant. Missense changes are a common disease-causing mechanism. The same nucleotide change resulting in the same amino acid change has been previously reported to be associated with PIK3CA-related disorder (ClinVar ID: VCV003350910). Therefore, this variant is classified as Likely pathogenic according to the recommendation of ACMG/AMP guideline.

Ambry Genetics
Classification: Uncertain significance for Inborn genetic diseases. Last evaluated: 2024-12-30. Review status: criteria provided, single submitter. Criteria: Ambry Variant Classification Scheme 2023. Collection method: clinical testing. Allele origin: germline.
Comment: The c.2521A>G (p.I841V) alteration is located in exon 18 (coding exon 17) of the PIK3CA gene. This alteration results from an A to G substitution at nucleotide position 2521, causing the isoleucine (I) at amino acid position 841 to be replaced by a valine (V). This variant was not reported in population-based cohorts in the Genome Aggregation Database (gnomAD). This amino acid position is highly conserved in available vertebrate species. This missense alteration is located in a region that has a low rate of benign missense variation (Lek, 2016; Firth, 2009). The in silico prediction for this alteration is inconclusive. Based on insufficient or conflicting evidence, the clinical significance of this alteration remains unclear.

PreventionGenetics, part of Exact Sciences
Classification: Likely pathogenic for PIK3CA-related condition. Last evaluated: 2024-06-08. Review status: no assertion criteria provided. Collection method: clinical testing. Allele origin: germline. Not counted in ClinVar's aggregate classification.
Comment: The PIK3CA c.2521A>G variant is predicted to result in the amino acid substitution p.Ile841Val. This variant was reported as de novo in two individuals with developmental disorder or autism (Table S1, Kaplanis et al. 2020. PubMed ID: 33057194; Table S3, Zhou et al. 2022. PubMed ID: 35982159). This variant has not been reported in a large population database, indicating this variant is rare. This variant is interpreted as likely pathogenic.

Literature cited by the submitters: PubMed 34136741 (cited by Laboratoire de Cytogenomique, Chu Angers); PubMed 33057194 (cited by Ambry Genetics).

NM_006218.4(PIK3CA):c.2521A>G (p.Ile841Val)

Gene: PIK3CA (phosphatidylinositol-4,5-bisphosphate 3-kinase catalytic subunit alpha; plus strand). Cytogenetic location: 3q26.32.
Variant type: single nucleotide variant.
Coding change: c.2521A>G on transcript NM_006218.4 (MANE Select); coding-DNA position 2521, A replaced by G.
Protein change: p.Ile841Val; replaces isoleucine 841 with valine.
Molecular consequence: missense variant.
Genome position (GRCh38, 1-based): chr3:179,229,297, A>G. VCF-style: chr3-179229297-A-G. GRCh37 (hg19) VCF-style: chr3-178947085-A-G.
Other names: short protein forms I841V.
Identifiers: ClinVar variation 3350910 (VCV003350910.4).